The following is an entry in ClinVar:

ClinVar aggregate classification (germline): Uncertain significance (1 of 4 stars; one submission).

Conditions:
Hereditary breast ovarian cancer syndrome. Also called: Hereditary breast and ovarian cancer; Hereditary breast and/or ovarian cancer syndrome; Breast and ovarian cancer; BRCA1- and BRCA2-Associated Hereditary Breast and Ovarian Cancer; Hereditary breast and ovarian cancer syndrome; Hereditary breast and ovarian cancer syndrome (HBOC). Identifiers: Orphanet 145, MedGen C0677776, MeSH D061325, MONDO:0003582. Disease mechanism: loss of function.

Submission:

Labcorp Genetics (formerly Invitae), Labcorp
Classification: Uncertain significance for Hereditary breast ovarian cancer syndrome. Last evaluated: 2024-05-13. Review status: criteria provided, single submitter. Criteria: Invitae Variant Classification Sherloc (09022015). Collection method: clinical testing. Allele origin: germline.
Comment: This sequence change replaces isoleucine, which is neutral and non-polar, with lysine, which is basic and polar, at codon 3171 of the BRCA2 protein (p.Ile3171Lys). This variant is not present in population databases (gnomAD no frequency). This variant has not been reported in the literature in individuals affected with BRCA2-related conditions. ClinVar contains an entry for this variant (Variation ID: 1348294). Advanced modeling of protein sequence and biophysical properties (such as structural, functional, and spatial information, amino acid conservation, physicochemical variation, residue mobility, and thermodynamic stability) performed at Invitae indicates that this missense variant is not expected to disrupt BRCA2 protein function with a negative predictive value of 95%. In summary, the available evidence is currently insufficient to determine the role of this variant in disease. Therefore, it has been classified as a Variant of Uncertain Significance.

NM_000059.4(BRCA2):c.9512T>A (p.Ile3171Lys)

Gene: BRCA2 (BRCA2 DNA repair associated; plus strand). Cytogenetic location: 13q13.1.
Variant type: single nucleotide variant.
Coding change: c.9512T>A on transcript NM_000059.4 (MANE Select); coding-DNA position 9512, T replaced by A.
Protein change: p.Ile3171Lys; replaces isoleucine 3171 with lysine.
Molecular consequence: missense variant.
Genome position (GRCh38, 1-based): chr13:32,396,908, T>A. VCF-style: chr13-32396908-T-A. GRCh37 (hg19) VCF-style: chr13-32971045-T-A.
Other names: short protein forms I3171K.
Identifiers: ClinVar variation 1348294 (VCV001348294.8), dbSNP rs1566260078, ClinGen allele CA387762876.
Genomic context (GRCh38, chr13:32,396,908, plus strand): 5'-AATATGTGGGTTTGCAATTTATAAAGCAGCTTTTCCACTTATTTTCTTAGAATATTGACA[T>A]ACTTTGCAATGAAGCAGAAAACAAGCTTATGCATATACTGCATGCAAATGATCCCAAGTG-3'
Protein context (NP_000050.3, residues 3161-3181): KMKNTVENID[Ile3171Lys]LCNEAENKLM